The following is an entry in ClinVar:

NM_000545.8(HNF1A):c.286G>A (p.Glu96Lys)

Gene: HNF1A (HNF1 homeobox A; plus strand). Cytogenetic location: 12q24.31.
Variant type: single nucleotide variant.
Coding change: c.286G>A on transcript NM_000545.8 (MANE Select); coding-DNA position 286, G replaced by A.
Protein change: p.Glu96Lys; replaces glutamic acid 96 with lysine.
Molecular consequence: missense variant.
Genome position (GRCh38, 1-based): chr12:120,979,054, G>A. VCF-style: chr12-120979054-G-A. GRCh37 (hg19) VCF-style: chr12-121416857-G-A.
Other names: c.286G>A, p.Glu96Lys (NM_001306179.2, NM_001406915.1); short protein forms E96K.
Identifiers: ClinVar variation 3232044 (VCV003232044.1), dbSNP rs1319520178, ClinGen allele CA386954458.
Genomic context (GRCh38, chr12:120,979,054, plus strand): 5'-GACGATGGGGAAGACTTCACGCCACCCATCCTCAAAGAGCTGGAGAACCTCAGCCCTGAG[G>A]AGGCGGCCCACCAGAAAGCCGTGGTGGAGACCCTTCTGCAGTAAGGAGCCCTGCCCCGTC-3'
Protein context (NP_000536.6, residues 86-106): LKELENLSPE[Glu96Lys]AAHQKAVVET

ClinVar aggregate classification (germline): Uncertain significance (1 of 4 stars; one submission).

Conditions:
Maturity-onset diabetes of the young (MODY). Also called: Maturity onset diabetes mellitus in young. Identifiers: Orphanet 552, MedGen C0342276, MONDO:0018911, HP:0004904.

Allele frequency attached by ClinVar (database versions not stated): gnomAD exomes below 0.00001.

Submission:

Ambry Genetics
Classification: Uncertain significance for Maturity-onset diabetes of the young. Last evaluated: 2024-02-21. Review status: criteria provided, single submitter. Criteria: Ambry Variant Classification Scheme 2023. Collection method: clinical testing. Allele origin: germline.
Comment: The p.E96K variant (also known as c.286G>A), located in coding exon 1 of the HNF1A gene, results from a G to A substitution at nucleotide position 286. The glutamic acid at codon 96 is replaced by lysine, an amino acid with similar properties. This amino acid position is highly conserved in available vertebrate species. In addition, this alteration is predicted to be deleterious by in silico analysis. Based on the available evidence, the clinical significance of this alteration remains unclear.